The following is an entry in ClinVar:

NM_006662.3(SRCAP):c.3056T>C (p.Leu1019Pro)

Gene: SRCAP (Snf2 related CREBBP activator protein; plus strand). Cytogenetic location: 16p11.2.
Variant type: single nucleotide variant.
Coding change: c.3056T>C on transcript NM_006662.3 (MANE Select); coding-DNA position 3056, T replaced by C.
Protein change: p.Leu1019Pro; replaces leucine 1019 with proline.
Molecular consequence: missense variant.
Genome position (GRCh38, 1-based): chr16:30,720,781, T>C. VCF-style: chr16-30720781-T-C. GRCh37 (hg19) VCF-style: chr16-30732102-T-C.
Other names: short protein forms L1019P.
Identifiers: ClinVar variation 4537227 (VCV004537227.1).

ClinVar aggregate classification (germline): Uncertain significance (1 of 4 stars; one submission).

Submission:

Women's Health and Genetics/Laboratory Corporation of America, LabCorp
Classification: Uncertain significance. Last evaluated: 2025-11-28. Review status: criteria provided, single submitter. Criteria: LabCorp Variant Classification Summary - May 2015. Collection method: clinical testing. Allele origin: germline.
Comment: Variant summary: SRCAP c.3056T>C (p.Leu1019Pro) results in a non-conservative amino acid change in the encoded protein sequence. Algorithms developed to predict the effect of missense changes on protein structure and function are either unavailable or do not agree on the potential impact of this missense change. The variant was absent in 249442 control chromosomes. The available data on variant occurrences in the general population are insufficient to allow any conclusion about variant significance. To our knowledge, no occurrence of c.3056T>C in individuals affected with SRCAP-related conditions and no experimental evidence demonstrating its impact on protein function have been reported. No submitters have cited clinical-significance assessments for this variant to ClinVar. Based on the evidence outlined above, the variant was classified as uncertain significance.